The following is an entry in ClinVar:

NM_000368.5(TSC1):c.2976-13G>A

Gene: TSC1 (TSC complex subunit 1; minus strand). Cytogenetic location: 9q34.13.
Variant type: single nucleotide variant.
Coding change: c.2976-13G>A on transcript NM_000368.5 (MANE Select); 13 bases into the intron before coding-DNA position 2976, G replaced by A.
Molecular consequence: intron variant.
Genome position (GRCh38, 1-based): chr9:132,896,767, C>T on the plus strand (G>A on the coding strand, the complement: TSC1 is on the minus strand). VCF-style: chr9-132896767-C-T. GRCh37 (hg19) VCF-style: chr9-135772154-C-T.
Other names: c.2613-13G>A (NM_001362177.2); c.2823-13G>A (NM_001162427.2); c.2973-13G>A (NM_001162426.2); c.2976-13G>A (NM_000368.4).
Identifiers: ClinVar variation 2185689 (VCV002185689.7), dbSNP rs1845091594, ClinGen allele CA1129703637.

ClinVar aggregate classification (germline): Uncertain significance. Review status: criteria provided, multiple submitters, no conflicts (2 of 4 stars). 4 submissions from 4 submitters: Uncertain significance (4). Last evaluated 2025-10-07.

Conditions:
Tuberous sclerosis syndrome (TSC). Also called: Tuberous Sclerosis Complex; Tuberous sclerosis. Identifiers: Orphanet 805, MedGen C0041341, MONDO:0001734.
Hereditary cancer-predisposing syndrome. Also called: Hereditary neoplastic syndrome; Neoplastic Syndromes, Hereditary; Tumor predisposition; Hereditary Cancer Syndrome. Identifiers: Orphanet 140162, MedGen C0027672, MeSH D009386, MONDO:0015356.
Tuberous sclerosis 1 (TSC1). Identifiers: Orphanet 805, MedGen C1854465, MONDO:0008612, OMIM 191100.

Allele frequency attached by ClinVar (database versions not stated): gnomAD 0.00001; gnomAD exomes 0.00001.
gnomAD v4.1: 14 of 1,613,278 alleles (0.00087%); highest among the groups gnomAD compares: African/African-American, 0.0013%; no homozygotes.

Submissions (4):

Labcorp Genetics (formerly Invitae), Labcorp
Classification: Uncertain significance for Tuberous sclerosis 1. Last evaluated: 2025-10-07. Review status: criteria provided, single submitter. Criteria: Invitae Variant Classification Sherloc (09022015). Collection method: clinical testing. Allele origin: germline.
Comment: This sequence change falls in intron 22 of the TSC1 gene. It does not directly change the encoded amino acid sequence of the TSC1 protein. This variant is not present in population databases (gnomAD no frequency). This variant has not been reported in the literature in individuals affected with TSC1-related conditions. ClinVar contains an entry for this variant (Variation ID: 2185689). Algorithms developed to predict the effect of sequence changes on RNA splicing suggest that this variant may disrupt the consensus splice site. In summary, the available evidence is currently insufficient to determine the role of this variant in disease. Therefore, it has been classified as a Variant of Uncertain Significance.

GeneDx
Classification: Uncertain significance. Last evaluated: 2025-10-03. Review status: criteria provided, single submitter. Criteria: GeneDx Variant Classification Process June 2021. Collection method: clinical testing. Allele origin: germline. Affected: yes.
Comment: Not observed at significant frequency in large population cohorts (gnomAD); In silico analysis supports a deleterious effect on splicing; Has not been previously published as pathogenic or benign to our knowledge

Color Diagnostics, LLC DBA Color Health
Classification: Uncertain significance for Tuberous sclerosis syndrome. Last evaluated: 2025-07-30. Review status: criteria provided, single submitter. Criteria: ACMG Guidelines, 2015. Collection method: clinical testing. Allele origin: germline.
Comment: This variant causes a G to A nucleotide substitution at the -13 position of intron 22/22 of the TSC1 gene. Splice prediction tools suggest that this variant may disrupt RNA splicing. To our knowledge, RNA studies have not been reported for this variant. This variant has not been reported in individuals affected with TSC1-related disorders in the literature. This variant has not been identified in the general population by the Genome Aggregation Database (gnomAD). The available evidence is insufficient to determine the role of this variant in disease conclusively. Therefore, this variant is classified as a Variant of Uncertain Significance.

Ambry Genetics
Classification: Uncertain significance for Hereditary cancer-predisposing syndrome. Last evaluated: 2024-12-23. Review status: criteria provided, single submitter. Criteria: Ambry Variant Classification Scheme 2023. Collection method: clinical testing. Allele origin: germline.
Comment: The c.2976-13G>A intronic alteration consists of a G to A substitution 13 nucleotides before coding exon 21 in the TSC1 gene. Based on insufficient or conflicting evidence, the clinical significance of this alteration remains unclear.